The following is an entry in ClinVar:

ClinVar aggregate classification (germline): Conflicting classifications of pathogenicity. Review status: criteria provided, conflicting classifications (1 of 4 stars). 7 submissions from 7 submitters: Uncertain significance (6); Benign (1). Last evaluated 2025-10-15.

Conditions:
Hereditary nonpolyposis colorectal neoplasms. Identifiers: MedGen C0009405, MeSH D003123.
Hereditary cancer-predisposing syndrome. Also called: Hereditary Cancer Syndrome; Tumor predisposition; Hereditary neoplastic syndrome; Neoplastic Syndromes, Hereditary. Identifiers: Orphanet 140162, MedGen C0027672, MeSH D009386, MONDO:0015356.
Lynch syndrome. Identifiers: Orphanet 144, MedGen C4552100, MONDO:0005835. Disease mechanism: loss of function.
Endometrial carcinoma. Also called: Endometrial carcinoma, somatic. Identifiers: MedGen C0476089, MONDO:0002447, OMIM 608089, HP:0012114.

Allele frequency attached by ClinVar (database versions not stated): ExAC 0.00001; TOPMed 0.00002; gnomAD 0.00002.
gnomAD v4.1: 8 of 1,613,944 alleles (0.0005%); highest among the groups gnomAD compares: African/African-American, 0.008%; no homozygotes.

Submissions (7):

Labcorp Genetics (formerly Invitae), Labcorp
Classification: Benign for Hereditary nonpolyposis colorectal neoplasms. Last evaluated: 2025-10-15. Review status: criteria provided, single submitter. Criteria: Invitae Variant Classification Sherloc (09022015). Collection method: clinical testing. Allele origin: germline.

Ambry Genetics
Classification: Uncertain significance for Hereditary cancer-predisposing syndrome. Last evaluated: 2025-06-08. Review status: criteria provided, single submitter. Criteria: Ambry Variant Classification Scheme 2023. Collection method: clinical testing. Allele origin: germline.
Comment: The p.R901S variant (also known as c.2701C>A), located in coding exon 4 of the MSH6 gene, results from a C to A substitution at nucleotide position 2701. The arginine at codon 901 is replaced by serine, an amino acid with dissimilar properties. This amino acid position is not well conserved in available vertebrate species. In addition, the in silico prediction for this alteration is inconclusive. Since supporting evidence is limited at this time, the clinical significance of this alteration remains unclear.

GeneDx
Classification: Uncertain significance. Last evaluated: 2024-12-11. Review status: criteria provided, single submitter. Criteria: GeneDx Variant Classification Process June 2021. Collection method: clinical testing. Allele origin: germline.
Comment: Observed in an individual with colorectal cancer (PMID: 26845104); Not observed at significant frequency in large population cohorts (gnomAD); In silico analysis indicates that this missense variant does not alter protein structure/function; This variant is associated with the following publications: (PMID: 17531815, 21120944, 26845104)

All of Us Research Program, National Institutes of Health
Classification: Uncertain significance for Lynch syndrome. Last evaluated: 2024-08-06. Review status: criteria provided, single submitter. Criteria: ACMG Guidelines, 2015. Collection method: clinical testing. Allele origin: germline. Inheritance: Autosomal dominant inheritance. Observed: 3 variant alleles, 3 heterozygotes.
Comment: This missense variant replaces arginine with serine at codon 901 of the MSH6 protein. Computational prediction suggests that this variant may not impact protein structure and function (internally defined REVEL score threshold <= 0.5, PMID: 27666373). To our knowledge, functional studies have not been reported for this variant. This variant has been reported in an individual affected with early onset colorectal cancer (PMID: 26845104). This variant has been identified in 3/282050 chromosomes in the general population by the Genome Aggregation Database (gnomAD). The available evidence is insufficient to determine the role of this variant in disease conclusively. Therefore, this variant is classified as a Variant of Uncertain Significance.

This study involves interpretation of variants in research participants for the purpose of population health screening. Participant phenotype was not available at the time of variant classification. Additional details can be found in publication PMID: 35346344, PMCID: PMC8962531

Color Diagnostics, LLC DBA Color Health
Classification: Uncertain significance for Hereditary cancer-predisposing syndrome. Last evaluated: 2024-07-10. Review status: criteria provided, single submitter. Criteria: ACMG Guidelines, 2015. Collection method: clinical testing. Allele origin: germline.
Comment: This missense variant replaces arginine with serine at codon 901 of the MSH6 protein. Computational prediction suggests that this variant may not impact protein structure and function. To our knowledge, functional studies have not been reported for this variant. This variant has been reported in an individual affected with early onset colorectal cancer (PMID: 26845104). This variant has been identified in 3/282050 chromosomes in the general population by the Genome Aggregation Database (gnomAD). The available evidence is insufficient to determine the role of this variant in disease conclusively. Therefore, this variant is classified as a Variant of Uncertain Significance.

Baylor Genetics
Classification: Uncertain significance for Endometrial carcinoma. Last evaluated: 2024-03-26. Review status: criteria provided, single submitter. Criteria: ACMG Guidelines, 2015. Collection method: clinical testing. Allele origin: unknown.

University of Washington Department of Laboratory Medicine, University of Washington
Classification: Uncertain significance for Hereditary nonpolyposis colon cancer. Last evaluated: 2015-11-20. Review status: criteria provided, single submitter. Criteria: Shirts et al. (Genet Med 2016). Collection method: clinical testing. Allele origin: germline. Affected: yes. Observed: 1 variant allele.

Literature cited by the submitters: PubMed 26845104 (cited by All of Us Research Program, National Institutes of Health and Color Diagnostics, LLC DBA Color Health).

NM_000179.3(MSH6):c.2701C>A (p.Arg901Ser)

Gene: MSH6 (mutS homolog 6; plus strand). Cytogenetic location: 2p16.3.
Variant type: single nucleotide variant.
Coding change: c.2701C>A on transcript NM_000179.3 (MANE Select); coding-DNA position 2701, C replaced by A.
Protein change: p.Arg901Ser; replaces arginine 901 with serine.
Molecular consequence: missense variant.
Genome position (GRCh38, 1-based): chr2:47,800,684, C>A. VCF-style: chr2-47800684-C-A. GRCh37 (hg19) VCF-style: chr2-48027823-C-A.
Other names: c.2311C>A, p.Arg771Ser (NM_001281492.2); c.1795C>A, p.Arg599Ser (NM_001281493.2, NM_001281494.2); short protein forms R901S, R599S, R771S.
Identifiers: ClinVar variation 224582 (VCV000224582.24), dbSNP rs772514245, ClinGen allele CA069480.
Genomic context (GRCh38, chr2:47,800,684, plus strand): 5'-GGTTTTAAGTCTAAAATCCTTAAGCAGGTCATCTCTCTGCAGACAAAAAATCCTGAAGGT[C>A]GTTTTCCTGATTTGACTGTAGAATTGAACCGATGGGATACAGCCTTTGACCATGAAAAGG-3'
Protein context (NP_000170.1, residues 891-911): ISLQTKNPEG[Arg901Ser]FPDLTVELNR